The following is an entry in ClinVar:

NM_006206.6(PDGFRA):c.2811G>A (p.Pro937=)

Gene: PDGFRA (platelet derived growth factor receptor alpha; plus strand). Cytogenetic location: 4q12.
Variant type: single nucleotide variant.
Coding change: c.2811G>A on transcript NM_006206.6 (MANE Select); coding-DNA position 2811, G replaced by A.
Protein change: p.Pro937=; no amino-acid change (proline 937 retained).
Molecular consequence: synonymous variant.
Genome position (GRCh38, 1-based): chr4:54,289,045, G>A. VCF-style: chr4-54289045-G-A. GRCh37 (hg19) VCF-style: chr4-55155212-G-A.
Other names: c.2886G>A, p.Pro962= (NM_001347828.2); c.2811G>A, p.Pro937= (NM_001347829.2); c.2850G>A, p.Pro950= (NM_001347830.2); c.2811G>A (NM_006206.5).
Identifiers: ClinVar variation 414513 (VCV000414513.30), dbSNP rs190260215, ClinGen allele CA2922961.

ClinVar aggregate classification (germline): Conflicting classifications of pathogenicity. Review status: criteria provided, conflicting classifications (1 of 4 stars). 6 submissions from 5 submitters: Uncertain significance (2); Benign (1); Likely benign (3). Last evaluated 2026-06-17.

Conditions:
PDGFRA-related disorder. Also called: PDGFRA-related condition.
Polyps, multiple and recurrent inflammatory fibroid, gastrointestinal. Identifiers: MedGen C5193005, MONDO:0008285, OMIM 175510.
Hereditary cancer-predisposing syndrome. Also called: Hereditary Cancer Syndrome; Tumor predisposition; Hereditary neoplastic syndrome; Neoplastic Syndromes, Hereditary. Identifiers: Orphanet 140162, MedGen C0027672, MeSH D009386, MONDO:0015356.
Gastrointestinal stromal tumor. Also called: Gastrointestinal stroma tumor; Gastrointestinal stromal tumor, somatic. Identifiers: Orphanet 44890, MedGen C0238198, MeSH D046152, MONDO:0011719, OMIM 606764, HP:0100723.
Idiopathic hypereosinophilic syndrome (HES). Identifiers: Orphanet 3260, MedGen C0206141, MONDO:0011895, OMIM 607685. Disease mechanism: gain of function.

Allele frequency attached by ClinVar (database versions not stated): gnomAD 0.00002 and 0.00004; gnomAD exomes 0.00006 and 0.00008; ExAC 0.00007; TOPMed 0.00010; 1000 Genomes Project 30x 0.00016; 1000 Genomes Project 0.00020.
gnomAD v4.1: 116 of 1,611,462 alleles (0.0072%); highest among the groups gnomAD compares: East Asian, 0.02%; no homozygotes.

Submissions (6):

Myriad Genetics, Inc.
Classification: Benign for Polyps, multiple and recurrent inflammatory fibroid, gastrointestinal. Last evaluated: 2026-06-17. Review status: criteria provided, single submitter. Criteria: Myriad Autosomal Dominant, Autosomal Recessive and X-Linked Classification Criteria (2023). Collection method: clinical testing. Allele origin: unknown.
Comment: This variant is considered benign. This variant is a silent/synonymous amino acid change and it is not expected to impact splicing.

Labcorp Genetics (formerly Invitae), Labcorp
Classification: Likely benign for Gastrointestinal stromal tumor. Last evaluated: 2026-01-24. Review status: criteria provided, single submitter. Criteria: Invitae Variant Classification Sherloc (09022015). Collection method: clinical testing. Allele origin: germline.

PreventionGenetics, part of Exact Sciences
Classification: Likely benign for PDGFRA-related condition. Last evaluated: 2025-11-25. Review status: criteria provided, single submitter. Criteria: ACMG Guidelines, 2015. Collection method: clinical testing. Allele origin: germline.
Comment: This variant is classified as likely benign based on ACMG/AMP sequence variant interpretation guidelines (Richards et al. 2015 PMID: 25741868, with internal and published modifications).

Ambry Genetics
Classification: Likely benign for Hereditary cancer-predisposing syndrome. Last evaluated: 2019-01-17. Review status: criteria provided, single submitter. Criteria: Ambry Variant Classification Scheme 2023. Collection method: clinical testing. Allele origin: germline.

Illumina Laboratory Services, Illumina
Classification: Uncertain significance for Gastrointestinal stromal tumor. Last evaluated: 2018-01-12. Review status: criteria provided, single submitter. Criteria: ICSL Variant Classification Criteria 13 December 2019. Collection method: clinical testing. Allele origin: germline.

Illumina Laboratory Services, Illumina
Classification: Uncertain significance for Idiopathic hypereosinophilic syndrome. Last evaluated: 2018-01-12. Review status: criteria provided, single submitter. Criteria: ICSL Variant Classification Criteria 13 December 2019. Collection method: clinical testing. Allele origin: germline.